The following is an entry in ClinVar:

NM_002691.4(POLD1):c.1481T>A (p.Ile494Asn)

Gene: POLD1 (DNA polymerase delta 1, catalytic subunit; plus strand). Cytogenetic location: 19q13.33.
Variant type: single nucleotide variant.
Coding change: c.1481T>A on transcript NM_002691.4 (MANE Select); coding-DNA position 1481, T replaced by A.
Protein change: p.Ile494Asn; replaces isoleucine 494 with asparagine.
Molecular consequence: missense variant. On other transcripts: non-coding transcript variant (1).
Genome position (GRCh38, 1-based): chr19:50,406,504, T>A. VCF-style: chr19-50406504-T-A. GRCh37 (hg19) VCF-style: chr19-50909761-T-A.
Other names: c.1481T>A, p.Ile494Asn (NM_001256849.1, NM_001308632.1); short protein forms I494N.
Identifiers: ClinVar variation 819335 (VCV000819335.6), dbSNP rs1601217092, ClinGen allele CA406980305.
Genomic context (GRCh38, chr19:50,406,504, plus strand): 5'-TCAATGCCGTGAGCTTCCACTTCCTGGGCGAGCAGAAGGAGGACGTGCAGCACAGCATCA[T>A]CACCGACCTGCAGGTGCCTGCTGCCTCCCTGACCTCTCACCCCAACCTCTGACCTCCACC-3'
Protein context (NP_002682.2, residues 484-504): EQKEDVQHSI[Ile494Asn]TDLQNGNDQT

ClinVar aggregate classification (germline): Uncertain significance (1 of 4 stars; one submission).

Conditions:
Hereditary cancer-predisposing syndrome. Also called: Tumor predisposition; Hereditary neoplastic syndrome; Neoplastic Syndromes, Hereditary; Hereditary Cancer Syndrome. Identifiers: Orphanet 140162, MedGen C0027672, MeSH D009386, MONDO:0015356.

Submission:

Ambry Genetics
Classification: Uncertain significance for Hereditary cancer-predisposing syndrome. Last evaluated: 2019-09-04. Review status: criteria provided, single submitter. Criteria: Ambry Variant Classification Scheme 2023. Collection method: clinical testing. Allele origin: germline.
Comment: The p.I494N variant (also known as c.1481T>A), located in coding exon 11 of the POLD1 gene, results from a T to A substitution at nucleotide position 1481. The isoleucine at codon 494 is replaced by asparagine, an amino acid with dissimilar properties. This amino acid position is highly conserved in available vertebrate species. In addition, the in silico prediction for this alteration is inconclusive. Since supporting evidence is limited at this time, the clinical significance of this alteration remains unclear.